The following is an entry in ClinVar:

ClinVar aggregate classification (germline): Uncertain significance (1 of 4 stars; one submission).

Submission:

Greenwood Genetic Center Diagnostic Laboratories, Greenwood Genetic Center
Classification: Uncertain significance. Last evaluated: 2023-10-17. Review status: criteria provided, single submitter. Criteria: ACMG Guidelines, 2015. Collection method: clinical testing. Allele origin: germline. Affected: yes.
Comment: PM2, PP3

NM_001845.6(COL4A1):c.4240G>A (p.Gly1414Arg)

Gene: COL4A1 (collagen type IV alpha 1 chain; minus strand). Cytogenetic location: 13q34.
Variant type: single nucleotide variant.
Coding change: c.4240G>A on transcript NM_001845.6 (MANE Select); coding-DNA position 4240, G replaced by A.
Protein change: p.Gly1414Arg; replaces glycine 1414 with arginine.
Molecular consequence: missense variant.
Genome position (GRCh38, 1-based): chr13:110,163,472, C>T on the plus strand (G>A on the coding strand, the complement: COL4A1 is on the minus strand). VCF-style: chr13-110163472-C-T. GRCh37 (hg19) VCF-style: chr13-110815819-C-T.
Other names: short protein forms G1414R.
Identifiers: ClinVar variation 2692556 (VCV002692556.1), dbSNP rs2501741417, ClinGen allele CA388659190.
Genomic context (GRCh38, chr13:110,163,472, plus strand): 5'-ATCCCAAAGATCCTGGTCAAGGGTAATTACGTTGGAAGTTTCGCAACCTACCAGTAGGCC[C>T]GGCAGGTCCCATCTCTCCTTTCTGGCCAGGGGCACCGTCAAACCCAGGAATACCTGGAGG-3'
Protein context (NP_001836.3, residues 1404-1424): PGQKGEMGPA[Gly1414Arg]PTGPRGFPGP